The following is an entry in ClinVar:

NM_207122.2(EXT2):c.118dup (p.Thr40fs)

Gene: EXT2 (exostosin glycosyltransferase 2; plus strand). Cytogenetic location: 11p11.2.
Variant type: Duplication.
Coding change: c.118dup on transcript NM_207122.2 (MANE Select); coding-DNA position 118, one base duplicated (A; older notation c.118dupA).
Protein change: p.Thr40fs; shifts the reading frame from threonine 40.
Molecular consequence: frameshift variant.
Genome position (GRCh38, 1-based): chr11:44,107,830, A duplicated. VCF-style (leftmost placement, unchanged base first): chr11-44107829-C-CA. GRCh37 (hg19) VCF-style: chr11-44129379-C-CA.
Other names: c.217dup, p.Thr73fs (NM_000401.3); c.118dup, p.Thr40fs (NM_001178083.3, NM_001389628.1, NM_001389630.1); short protein forms T40fs, T73fs.
Identifiers: ClinVar variation 3727364 (VCV003727364.2).

ClinVar aggregate classification (germline): Pathogenic (1 of 4 stars; one submission).

Conditions:
Exostoses, multiple, type 2 (EXT2). Also called: Hereditary Multiple Osteochondromatosis, Type II; EXOSTOSES, MULTIPLE, TYPE II. Identifiers: Orphanet 321, MedGen C1851413, MONDO:0007586, OMIM 133701.

Submission:

Labcorp Genetics (formerly Invitae), Labcorp
Classification: Pathogenic for Exostoses, multiple, type 2. Last evaluated: 2024-12-15. Review status: criteria provided, single submitter. Criteria: Invitae Variant Classification Sherloc (09022015). Collection method: clinical testing. Allele origin: germline.
Comment: This sequence change creates a premature translational stop signal (p.Thr40Asnfs*16) in the EXT2 gene. It is expected to result in an absent or disrupted protein product. Loss-of-function variants in EXT2 are known to be pathogenic (PMID: 10679937, 19810120). This variant is not present in population databases (gnomAD no frequency). This variant has not been reported in the literature in individuals affected with EXT2-related conditions. For these reasons, this variant has been classified as Pathogenic.

Literature cited by the submitters: PubMed 10679937; PubMed 19810120.